The following is an entry in ClinVar:

ClinVar aggregate classification (germline): Uncertain significance (1 of 4 stars; one submission).

Allele frequency attached by ClinVar (database versions not stated): TOPMed 0.00001; gnomAD exomes 0.00002; gnomAD 0.00001.

Submission:

Labcorp Genetics (formerly Invitae), Labcorp
Classification: Uncertain significance. Last evaluated: 2025-12-15. Review status: criteria provided, single submitter. Criteria: Invitae Variant Classification Sherloc (09022015). Collection method: clinical testing. Allele origin: germline.
Comment: This sequence change replaces proline, which is neutral and non-polar, with leucine, which is neutral and non-polar, at codon 129 of the HYOU1 protein (p.Pro129Leu). This variant is present in population databases (rs770864903, gnomAD 0.0009%). This variant has not been reported in the literature in individuals affected with HYOU1-related conditions. ClinVar contains an entry for this variant (Variation ID: 2086970). An algorithm developed to predict the effect of missense changes on protein structure and function (PolyPhen-2) suggests that this variant is likely to be disruptive. In summary, the available evidence is currently insufficient to determine the role of this variant in disease. Therefore, it has been classified as a Variant of Uncertain Significance.

NM_006389.5(HYOU1):c.386C>T (p.Pro129Leu)

Gene: HYOU1 (hypoxia up-regulated 1; minus strand). Cytogenetic location: 11q23.3.
Variant type: single nucleotide variant.
Coding change: c.386C>T on transcript NM_006389.5 (MANE Select); coding-DNA position 386, C replaced by T.
Protein change: p.Pro129Leu; replaces proline 129 with leucine.
Molecular consequence: missense variant.
Genome position (GRCh38, 1-based): chr11:119,055,218, G>A on the plus strand (C>T on the coding strand, the complement: HYOU1 is on the minus strand). VCF-style: chr11-119055218-G-A. GRCh37 (hg19) VCF-style: chr11-118925930-G-A.
Other names: c.386C>T, p.Pro129Leu (NM_001130991.3, NM_001411041.1); short protein forms P129L.
Identifiers: ClinVar variation 2086970 (VCV002086970.4), dbSNP rs770864903, ClinGen allele CA229648892.